The following is an entry in ClinVar:

ClinVar aggregate classification (germline): Uncertain significance. Review status: criteria provided, multiple submitters, no conflicts (2 of 4 stars). 3 submissions from 3 submitters: Uncertain significance (3). Last evaluated 2026-01-13.

Allele frequency attached by ClinVar (database versions not stated): gnomAD exomes 0.00004; ExAC 0.00005.
gnomAD v4.1: 26 of 1,613,248 alleles (0.0016%); highest among the groups gnomAD compares: South Asian, 0.025%; no homozygotes.

Submissions (3):

Women's Health and Genetics/Laboratory Corporation of America, LabCorp
Classification: Uncertain significance. Last evaluated: 2026-01-13. Review status: criteria provided, single submitter. Criteria: LabCorp Variant Classification Summary - May 2015. Collection method: clinical testing. Allele origin: germline.
Comment: Variant summary: COL9A1 c.899C>T (p.Pro300Leu) results in a non-conservative amino acid change in the encoded protein sequence. Algorithms developed to predict the effect of missense changes on protein structure and function all suggest that this variant is likely to be disruptive. The variant allele was found at a frequency of 3.6e-05 in 247484 control chromosomes. The available data on variant occurrences in the general population are insufficient to allow any conclusion about variant significance. To our knowledge, no occurrence of c.899C>T in individuals affected with COL9A1-related conditions and no experimental evidence demonstrating its impact on protein function have been reported. ClinVar contains an entry for this variant (Variation ID: 856906). Based on the evidence outlined above, the variant was classified as uncertain significance.

Labcorp Genetics (formerly Invitae), Labcorp
Classification: Uncertain significance. Last evaluated: 2022-10-24. Review status: criteria provided, single submitter. Criteria: Invitae Variant Classification Sherloc (09022015). Collection method: clinical testing. Allele origin: germline.
Comment: This sequence change replaces proline, which is neutral and non-polar, with leucine, which is neutral and non-polar, at codon 300 of the COL9A1 protein (p.Pro300Leu). This variant is present in population databases (rs757897415, gnomAD 0.03%). This variant has not been reported in the literature in individuals affected with COL9A1-related conditions. ClinVar contains an entry for this variant (Variation ID: 856906). Advanced modeling of protein sequence and biophysical properties (such as structural, functional, and spatial information, amino acid conservation, physicochemical variation, residue mobility, and thermodynamic stability) performed at Invitae indicates that this missense variant is not expected to disrupt COL9A1 protein function. In summary, the available evidence is currently insufficient to determine the role of this variant in disease. Therefore, it has been classified as a Variant of Uncertain Significance.

Blueprint Genetics
Classification: Uncertain significance. Last evaluated: 2022-07-29. Review status: criteria provided, single submitter. Criteria: ACMG Guidelines, 2015. Collection method: clinical testing. Allele origin: germline.

NM_001851.6(COL9A1):c.899C>T (p.Pro300Leu)

Gene: COL9A1 (collagen type IX alpha 1 chain; minus strand). Cytogenetic location: 6q13.
Variant type: single nucleotide variant.
Coding change: c.899C>T on transcript NM_001851.6 (MANE Select); coding-DNA position 899, C replaced by T.
Protein change: p.Pro300Leu; replaces proline 300 with leucine.
Molecular consequence: missense variant. On other transcripts: non-coding transcript variant (1).
Genome position (GRCh38, 1-based): chr6:70,281,017, G>A on the plus strand (C>T on the coding strand, the complement: COL9A1 is on the minus strand). VCF-style: chr6-70281017-G-A. GRCh37 (hg19) VCF-style: chr6-70990720-G-A.
Other names: c.170C>T, p.Pro57Leu (NM_001377289.1, NM_001377290.1, NM_078485.4); c.899C>T, p.Pro300Leu (NM_001377291.1); short protein forms P300L, P57L.
Identifiers: ClinVar variation 856906 (VCV000856906.9), dbSNP rs757897415, ClinGen allele CA3882596.